The following is an entry in ClinVar:

ClinVar aggregate classification (germline): Uncertain significance (1 of 4 stars; one submission).

Submission:

GeneDx
Classification: Uncertain significance. Last evaluated: 2020-01-10. Review status: criteria provided, single submitter. Criteria: GeneDx Variant Classification Process June 2021. Collection method: clinical testing. Allele origin: germline. Affected: yes.
Comment: In silico analysis, which includes protein predictors and evolutionary conservation, supports that this variant does not alter protein structure/function; No data available from control populations to assess the frequency of this variant; Has not been previously published as pathogenic or benign to our knowledge

NM_001099857.5(IKBKG):c.518G>C (p.Arg173Pro)

Gene: IKBKG (inhibitor of nuclear factor kappa B kinase regulatory subunit gamma; plus strand). Cytogenetic location: Xq28.
Variant type: single nucleotide variant.
Coding change: c.518G>C on transcript NM_001099857.5 (MANE Select); coding-DNA position 518, G replaced by C.
Protein change: p.Arg173Pro; replaces arginine 173 with proline.
Molecular consequence: missense variant. On other transcripts: intron variant (1).
Genome position (GRCh38, 1-based): chrX:154,558,650, G>C. VCF-style: chrX-154558650-G-C. GRCh37 (hg19) VCF-style: chrX-153786865-G-C.
Other names: c.722G>C, p.Arg241Pro (NM_001099856.6); c.518G>C, p.Arg173Pro (NM_001145255.4, NM_001321396.3, NM_001377312.1 and 1 more transcripts); c.515G>C, p.Arg172Pro (NM_001321397.3, NM_001377313.1, NM_001377314.1); c.399+2274G>C (NM_001377315.1); short protein forms R172P, R173P, R241P.
Identifiers: ClinVar variation 1315409 (VCV001315409.2), dbSNP rs1057520292, ClinGen allele CA415214404.